The following is an entry in ClinVar:

ClinVar aggregate classification (germline): Conflicting classifications of pathogenicity. Review status: criteria provided, conflicting classifications (1 of 4 stars). 3 submissions from 3 submitters: Uncertain significance (2); Likely benign (1). Last evaluated 2025-11-17.

Conditions:
POLD1-related polyposis and colorectal cancer syndrome (CRCS10). Also called: Colorectal cancer 10; COLORECTAL CANCER, SUSCEPTIBILITY TO, ON CHROMOSOME 19q; Colorectal cancer, susceptibility to, 10. Identifiers: Orphanet 220460, MedGen C2675481, MONDO:0012953, OMIM 612591.
Hereditary cancer-predisposing syndrome. Also called: Tumor predisposition; Neoplastic Syndromes, Hereditary; Hereditary Cancer Syndrome; Hereditary neoplastic syndrome. Identifiers: Orphanet 140162, MedGen C0027672, MeSH D009386, MONDO:0015356.

Submissions (3):

Labcorp Genetics (formerly Invitae), Labcorp
Classification: Uncertain significance for POLD1-related polyposis and colorectal cancer syndrome. Last evaluated: 2025-11-17. Review status: criteria provided, single submitter. Criteria: Invitae Variant Classification Sherloc (09022015). Collection method: clinical testing. Allele origin: germline.
Comment: This sequence change replaces arginine, which is basic and polar, with leucine, which is neutral and non-polar, at codon 17 of the POLD1 protein (p.Arg17Leu). This variant is not present in population databases (gnomAD no frequency). This variant has not been reported in the literature in individuals affected with POLD1-related conditions. ClinVar contains an entry for this variant (Variation ID: 537111). Experimental studies and prediction algorithms are not available or were not evaluated, and the functional significance of this variant is currently unknown. In summary, the available evidence is currently insufficient to determine the role of this variant in disease. Therefore, it has been classified as a Variant of Uncertain Significance.

Ambry Genetics
Classification: Likely benign for Hereditary cancer-predisposing syndrome. Last evaluated: 2025-01-08. Review status: criteria provided, single submitter. Criteria: Ambry Variant Classification Scheme 2023. Collection method: clinical testing. Allele origin: germline.

GeneDx
Classification: Uncertain significance. Last evaluated: 2023-06-14. Review status: criteria provided, single submitter. Criteria: GeneDx Variant Classification Process June 2021. Collection method: clinical testing. Allele origin: germline. Affected: yes.
Comment: Not observed at significant frequency in large population cohorts (gnomAD); In silico analysis supports that this missense variant does not alter protein structure/function; Has not been previously published as pathogenic or benign to our knowledge

NM_002691.4(POLD1):c.50G>T (p.Arg17Leu)

Gene: POLD1 (DNA polymerase delta 1, catalytic subunit; plus strand). Cytogenetic location: 19q13.33.
Variant type: single nucleotide variant.
Coding change: c.50G>T on transcript NM_002691.4 (MANE Select); coding-DNA position 50, G replaced by T.
Protein change: p.Arg17Leu; replaces arginine 17 with leucine.
Molecular consequence: missense variant. On other transcripts: non-coding transcript variant (1).
Genome position (GRCh38, 1-based): chr19:50,398,901, G>T. VCF-style: chr19-50398901-G-T. GRCh37 (hg19) VCF-style: chr19-50902158-G-T.
Other names: c.50G>T, p.Arg17Leu (NM_001256849.1, NM_001308632.1); c.50G>T (NM_002691.2); short protein forms R17L.
Identifiers: ClinVar variation 537111 (VCV000537111.11), dbSNP rs373637566, ClinGen allele CA406970042.